The following is an entry in ClinVar:

ClinVar aggregate classification (germline): Conflicting classifications of pathogenicity. Review status: criteria provided, conflicting classifications (1 of 4 stars). 2 submissions from 2 submitters: Uncertain significance (1); Likely benign (1). Last evaluated 2025-01-19.

Conditions:
Cardiovascular phenotype. Identifiers: MedGen CN230736.

Allele frequency attached by ClinVar (database versions not stated): ExAC 0.00013.
gnomAD v4.1: 34 of 1,548,006 alleles (0.0022%); highest among the groups gnomAD compares: South Asian, 0.019%; no homozygotes.

Submissions (2):

Ambry Genetics
Classification: Likely benign for Cardiovascular phenotype. Last evaluated: 2025-01-19. Review status: criteria provided, single submitter. Criteria: Ambry Variant Classification Scheme 2023. Collection method: clinical testing. Allele origin: germline.

Labcorp Genetics (formerly Invitae), Labcorp
Classification: Uncertain significance. Last evaluated: 2023-11-25. Review status: criteria provided, single submitter. Criteria: Invitae Variant Classification Sherloc (09022015). Collection method: clinical testing. Allele origin: germline.
Comment: This sequence change replaces threonine, which is neutral and polar, with methionine, which is neutral and non-polar, at codon 2882 of the ZNF469 protein (p.Thr2882Met). This variant is present in population databases (rs780044721, gnomAD 0.03%). This variant has not been reported in the literature in individuals affected with ZNF469-related conditions. ClinVar contains an entry for this variant (Variation ID: 1764145). Algorithms developed to predict the effect of missense changes on protein structure and function output the following: SIFT: "Not Available"; PolyPhen-2: "Benign"; Align-GVGD: "Not Available". The methionine amino acid residue is found in multiple mammalian species, which suggests that this missense change does not adversely affect protein function. In summary, the available evidence is currently insufficient to determine the role of this variant in disease. Therefore, it has been classified as a Variant of Uncertain Significance.

NM_001367624.2(ZNF469):c.8729C>T (p.Thr2910Met)

Gene: ZNF469 (zinc finger protein 469; plus strand). Cytogenetic location: 16q24.2.
Variant type: single nucleotide variant.
Coding change: c.8729C>T on transcript NM_001367624.2 (MANE Select); coding-DNA position 8729, C replaced by T.
Protein change: p.Thr2910Met; replaces threonine 2910 with methionine.
Molecular consequence: missense variant.
Genome position (GRCh38, 1-based): chr16:88,436,199, C>T. VCF-style: chr16-88436199-C-T. GRCh37 (hg19) VCF-style: chr16-88502607-C-T.
Other names: NM_001127464.1:c.8645C>T; short protein forms T2910M.
Identifiers: ClinVar variation 1764145 (VCV001764145.5), dbSNP rs780044721, ClinGen allele CA8225365.